The following is an entry in ClinVar:

ClinVar aggregate classification (germline): Benign/Likely benign. Review status: criteria provided, multiple submitters, no conflicts (2 of 4 stars). 3 submissions from 3 submitters: Benign (1); Likely benign (2). Last evaluated 2026-04-20.

Conditions:
DICER1-related tumor predisposition. Also called: DICER1-related pleuropulmonary blastoma cancer predisposition syndrome; DICER1 syndrome. Identifiers: Orphanet 284343, MedGen C3839822, MONDO:0100216.
Hereditary cancer-predisposing syndrome. Also called: Hereditary Cancer Syndrome; Neoplastic Syndromes, Hereditary; Hereditary neoplastic syndrome; Tumor predisposition. Identifiers: Orphanet 140162, MedGen C0027672, MeSH D009386, MONDO:0015356.

Allele frequency attached by ClinVar (database versions not stated): gnomAD exomes below 0.00001 and 0.00001; TOPMed 0.00001.
gnomAD v4.1: 9 of 1,614,192 alleles (0.00056%); highest among the groups gnomAD compares: Admixed American, 0.0017%; no homozygotes.

Submissions (3):

Myriad Genetics, Inc.
Classification: Benign for DICER1-related tumor predisposition. Last evaluated: 2026-04-20. Review status: criteria provided, single submitter. Criteria: Myriad Autosomal Dominant, Autosomal Recessive and X-Linked Classification Criteria (2023). Collection method: clinical testing. Allele origin: unknown.
Comment: This variant is considered benign. This variant is a silent/synonymous amino acid change and it is not expected to impact splicing.

Labcorp Genetics (formerly Invitae), Labcorp
Classification: Likely benign for DICER1-related tumor predisposition. Last evaluated: 2025-11-05. Review status: criteria provided, single submitter. Criteria: Invitae Variant Classification Sherloc (09022015). Collection method: clinical testing. Allele origin: germline.

Ambry Genetics
Classification: Likely benign for Hereditary cancer-predisposing syndrome. Last evaluated: 2018-11-01. Review status: criteria provided, single submitter. Criteria: Ambry Variant Classification Scheme 2023. Collection method: clinical testing. Allele origin: germline.

NM_177438.3(DICER1):c.4683C>T (p.Asp1561=)

Gene: DICER1 (dicer 1, ribonuclease III; minus strand). Cytogenetic location: 14q32.13.
Variant type: single nucleotide variant.
Coding change: c.4683C>T on transcript NM_177438.3 (MANE Select); coding-DNA position 4683, C replaced by T.
Protein change: p.Asp1561=; no amino-acid change (aspartic acid 1561 retained).
Molecular consequence: synonymous variant.
Genome position (GRCh38, 1-based): chr14:95,096,237, G>A on the plus strand (C>T on the coding strand, the complement: DICER1 is on the minus strand). VCF-style: chr14-95096237-G-A. GRCh37 (hg19) VCF-style: chr14-95562574-G-A.
Other names: c.4683C>T, p.Asp1561= (NM_001195573.1, NM_001271282.3, NM_001291628.2 and 1 more transcripts).
Identifiers: ClinVar variation 417041 (VCV000417041.18), dbSNP rs899603485, ClinGen allele CA16614620.